The following is an entry in ClinVar:

NM_001399.5(EDA):c.11C>G (p.Pro4Arg)

Gene: EDA (ectodysplasin A; plus strand). Cytogenetic location: Xq13.1.
Variant type: single nucleotide variant.
Coding change: c.11C>G on transcript NM_001399.5 (MANE Select); coding-DNA position 11, C replaced by G.
Protein change: p.Pro4Arg; replaces proline 4 with arginine.
Molecular consequence: missense variant.
Genome position (GRCh38, 1-based): chrX:69,616,319, C>G. VCF-style: chrX-69616319-C-G. GRCh37 (hg19) VCF-style: chrX-68836163-C-G.
Other names: c.11C>G, p.Pro4Arg (NM_001005609.2, NM_001005610.4, NM_001005612.3 and 2 more transcripts); short protein forms P4R.
Identifiers: ClinVar variation 2068492 (VCV002068492.1), dbSNP rs1396384936, ClinGen allele CA413446880.
Genomic context (GRCh38, chrX:69,616,319, plus strand): 5'-GCAGACGCAGCGGCTCCCGGGCCTCAAGAGAGTGGGTGTCTCCGGAGGCCATGGGCTACC[C>G]GGAGGTGGAGCGCAGGGAACTCCTGCCTGCAGCAGCGCCGCGGGAGCGAGGGAGCCAGGG-3'
Protein context (NP_001390.1, residues 1-14): MGY[Pro4Arg]EVERRELLPA

ClinVar aggregate classification (germline): Uncertain significance (1 of 4 stars; one submission).

Conditions:
Hypohidrotic X-linked ectodermal dysplasia (XHED). Also called: ECTODERMAL DYSPLASIA, HYPOHIDROTIC, 1; CST SYNDROME; Christ-Siemans-Touraine syndrome; Ectodermal Dysplasia 1, Anhidrotic; Anhidrotic ectodermal dysplasia X-linked; Christ Siemens Touraine syndrome. Identifiers: Orphanet 181, Orphanet 238468, MedGen C0162359, MONDO:0010585, OMIM 305100.

Allele frequency attached by ClinVar (database versions not stated): gnomAD 0.00001; TOPMed 0.00001.
gnomAD v4.1: 31 of 1,195,048 alleles (0.0026%); highest among the groups gnomAD compares: Non-Finnish European, 0.0033%; no homozygotes.

Submission:

Labcorp Genetics (formerly Invitae), Labcorp
Classification: Uncertain significance for Hypohidrotic X-linked ectodermal dysplasia. Last evaluated: 2022-07-27. Review status: criteria provided, single submitter. Criteria: Invitae Variant Classification Sherloc (09022015). Collection method: clinical testing. Allele origin: germline.
Comment: This sequence change replaces proline, which is neutral and non-polar, with arginine, which is basic and polar, at codon 4 of the EDA protein (p.Pro4Arg). This variant is not present in population databases (gnomAD no frequency). This variant has not been reported in the literature in individuals affected with EDA-related conditions. Algorithms developed to predict the effect of missense changes on protein structure and function are either unavailable or do not agree on the potential impact of this missense change (SIFT: "Deleterious"; PolyPhen-2: "Not Available"; Align-GVGD: "Class C0"). In summary, the available evidence is currently insufficient to determine the role of this variant in disease. Therefore, it has been classified as a Variant of Uncertain Significance.